The following is an entry in ClinVar:

NM_014244.5(ADAMTS2):c.2888G>A (p.Arg963Gln)

Gene: ADAMTS2 (ADAM metallopeptidase with thrombospondin type 1 motif 2; minus strand). Cytogenetic location: 5q35.3.
Variant type: single nucleotide variant.
Coding change: c.2888G>A on transcript NM_014244.5 (MANE Select); coding-DNA position 2888, G replaced by A.
Protein change: p.Arg963Gln; replaces arginine 963 with glutamine.
Molecular consequence: missense variant.
Genome position (GRCh38, 1-based): chr5:179,125,043, C>T on the plus strand (G>A on the coding strand, the complement: ADAMTS2 is on the minus strand). VCF-style: chr5-179125043-C-T. GRCh37 (hg19) VCF-style: chr5-178552044-C-T.
Other names: short protein forms R963Q.
Identifiers: ClinVar variation 2143060 (VCV002143060.1), dbSNP rs571385990, ClinGen allele CA3595383.

ClinVar aggregate classification (germline): Uncertain significance (1 of 4 stars; one submission).

Conditions:
Ehlers-Danlos syndrome, dermatosparaxis type. Also called: EDS VIIC; Dermatosparaxis; Ehlers-Danlos syndrome, type VII, autosomal recessive. Identifiers: Orphanet 1901, MedGen C2700425, MONDO:0009161, OMIM 225410.

Allele frequency attached by ClinVar (database versions not stated): TOPMed below 0.00001; gnomAD 0.00002; 1000 Genomes Project 30x 0.00016; 1000 Genomes Project 0.00020.
gnomAD v4.1: 11 of 1,608,528 alleles (0.00068%); highest among the groups gnomAD compares: South Asian, 0.0033%; no homozygotes.

Submission:

Labcorp Genetics (formerly Invitae), Labcorp
Classification: Uncertain significance for Ehlers-Danlos syndrome, dermatosparaxis type. Last evaluated: 2022-02-05. Review status: criteria provided, single submitter. Criteria: Invitae Variant Classification Sherloc (09022015). Collection method: clinical testing. Allele origin: germline.
Comment: This sequence change replaces arginine, which is basic and polar, with glutamine, which is neutral and polar, at codon 963 of the ADAMTS2 protein (p.Arg963Gln). This variant is present in population databases (rs571385990, gnomAD 0.008%). This variant has not been reported in the literature in individuals affected with ADAMTS2-related conditions. Algorithms developed to predict the effect of missense changes on protein structure and function (SIFT, PolyPhen-2, Align-GVGD) all suggest that this variant is likely to be disruptive. In summary, the available evidence is currently insufficient to determine the role of this variant in disease. Therefore, it has been classified as a Variant of Uncertain Significance.